The following is an entry in ClinVar:

ClinVar aggregate classification (germline): Uncertain significance (1 of 4 stars; one submission).

Conditions:
Intellectual developmental disorder, autosomal dominant 77. Identifiers: MedGen C6065930, MONDO:0980748, OMIM 621415.

Submission:

Victorian Clinical Genetics Services, Murdoch Childrens Research Institute
Classification: Uncertain significance for Intellectual developmental disorder, autosomal dominant 77. Last evaluated: 2026-07-15. Review status: criteria provided, single submitter. Criteria: ACMG Guidelines, 2015. Collection method: clinical testing. Allele origin: germline. Affected: yes.
Comment: This variant is classified as VUS-3B. Evidence in support of pathogenic classification: Variant is absent from gnomAD (v4). Additional information: Variant is predicted to result in a missense amino acid change from Ser to Pro; This variant is heterozygous; This gene is associated with autosomal dominant disease; This variant has no previous evidence of pathogenicity; Segregation evidence for this variant is inconclusive. No published functional evidence has been identified for this variant; No comparable missense variants have previous evidence for pathogenicity; Variant is located in the annotated LRR domain (NCBI conserved domains); Missense variant with inconclusive in silico prediction and/or uninformative conservation; Loss of function is a known mechanism of disease in this gene and is associated with intellectual developmental disorder, autosomal dominant 77 (MIM#621415); The condition associated with this gene has incomplete penetrance (PMID: 39256359); Inheritance information for this variant is not currently available in this individual.

Literature cited by the submitters: PubMed 39256359.

NM_001370785.2(LRRC7):c.1174T>C (p.Ser392Pro)

Gene: LRRC7 (leucine rich repeat containing 7; plus strand). Cytogenetic location: 1p31.1.
Variant type: single nucleotide variant.
Coding change: c.1174T>C on transcript NM_001370785.2 (MANE Select); coding-DNA position 1174, T replaced by C.
Protein change: p.Ser392Pro; replaces serine 392 with proline.
Molecular consequence: missense variant.
Genome position (GRCh38, 1-based): chr1:70,013,013, T>C. VCF-style: chr1-70013013-T-C. GRCh37 (hg19) VCF-style: chr1-70478696-T-C.
Other names: c.1075T>C, p.Ser359Pro (NM_001330635.3, NM_001366839.3, NM_001366841.1); c.1177T>C, p.Ser393Pro (NM_001350216.3); c.1174T>C, p.Ser392Pro (NM_001366838.3); short protein forms S359P, S392P, S393P.
Identifiers: ClinVar variation 4879643 (VCV004879643.1).